The following is an entry in ClinVar:

ClinVar aggregate classification (germline): Likely benign. Review status: criteria provided, multiple submitters, no conflicts (2 of 4 stars). 6 submissions from 6 submitters: Likely benign (6). Last evaluated 2025-12-20.

Conditions:
FLNC-related disorder. Also called: FLNC-related condition; FLNC-related disorders.
Cardiovascular phenotype. Identifiers: MedGen CN230736.
Hypertrophic cardiomyopathy 26. Also called: Cardiomyopathy, familial hypertrophic, 26. Identifiers: Orphanet 75249, MedGen C4310749, MONDO:0014883, OMIM 617047.
Distal myopathy with posterior leg and anterior hand involvement. Also called: WILLIAMS DISTAL MYOPATHY. Identifiers: Orphanet 63273, MedGen C3279722, MONDO:0013550, OMIM 614065.
Myofibrillar myopathy 5. Also called: FILAMINOPATHY, AUTOSOMAL DOMINANT; Filaminopathy (type). Identifiers: Orphanet 171445, MedGen C1836050, MONDO:0012289, OMIM 609524.

Allele frequency attached by ClinVar (database versions not stated): gnomAD 0.00006 and 0.00016; TOPMed 0.00006; ExAC 0.00014; 1000 Genomes Project 30x 0.00047; 1000 Genomes Project 0.00060.
gnomAD v4.1: 499 of 1,603,216 alleles (0.031%); highest among the groups gnomAD compares: East Asian, 1%; 5 homozygotes.

Submissions (6):

Labcorp Genetics (formerly Invitae), Labcorp
Classification: Likely benign for Distal myopathy with posterior leg and anterior hand involvement; Myofibrillar myopathy 5; Hypertrophic cardiomyopathy 26. Last evaluated: 2025-12-20. Review status: criteria provided, single submitter. Criteria: Invitae Variant Classification Sherloc (09022015). Collection method: clinical testing. Allele origin: germline.

PreventionGenetics, part of Exact Sciences
Classification: Likely benign for FLNC-related condition. Last evaluated: 2025-10-20. Review status: criteria provided, single submitter. Criteria: ACMG Guidelines, 2015. Collection method: clinical testing. Allele origin: germline.
Comment: This variant is classified as likely benign based on ACMG/AMP sequence variant interpretation guidelines (Richards et al. 2015 PMID: 25741868, with internal and published modifications).

CeGaT Center for Human Genetics Tuebingen
Classification: Likely benign. Last evaluated: 2025-09-01. Review status: criteria provided, single submitter. Criteria: CeGaT Center For Human Genetics Tuebingen Variant Classification Criteria Version 2. Collection method: clinical testing. Allele origin: germline. Affected: yes. Observed: 5 variant alleles.
Comment: FLNC: BP4, BP7, BS1

GeneDx
Classification: Likely benign. Last evaluated: 2020-11-25. Review status: criteria provided, single submitter. Criteria: GeneDx Variant Classification Process June 2021. Collection method: clinical testing. Allele origin: germline. Affected: yes.

Blueprint Genetics
Classification: Likely benign. Last evaluated: 2020-10-16. Review status: criteria provided, single submitter. Criteria: ACMG Guidelines, 2015. Collection method: clinical testing. Allele origin: germline.

Ambry Genetics
Classification: Likely benign for Cardiovascular phenotype. Last evaluated: 2019-08-27. Review status: criteria provided, single submitter. Criteria: Ambry Variant Classification Scheme 2023. Collection method: clinical testing. Allele origin: germline.

NM_001458.5(FLNC):c.642C>T (p.Pro214=)

Gene: FLNC (filamin C; plus strand). Cytogenetic location: 7q32.1.
Variant type: single nucleotide variant.
Coding change: c.642C>T on transcript NM_001458.5 (MANE Select); coding-DNA position 642, C replaced by T.
Protein change: p.Pro214=; no amino-acid change (proline 214 retained).
Molecular consequence: synonymous variant.
Genome position (GRCh38, 1-based): chr7:128,837,200, C>T. VCF-style: chr7-128837200-C-T. GRCh37 (hg19) VCF-style: chr7-128477254-C-T.
Other names: c.642C>T, p.Pro214= (NM_001127487.2).
Identifiers: ClinVar variation 386886 (VCV000386886.83), dbSNP rs2291558, ClinGen allele CA4474084.
Genomic context (GRCh38, chr7:128,837,200, plus strand): 5'-TCCCTCCATCACCTCTCCAGGTCTCTGCCCCGACTGGGAGGCCTGGGACCCCAACCAGCC[C>T]GTGGAGAACGCCCGGGAGGCCATGCAGCAGGCCGACGACTGGCTTGGGGTGCCCCAGGTA-3'
Protein context (NP_001449.3, residues 204-224): PDWEAWDPNQ[Pro214=]VENAREAMQQ